The following is an entry in ClinVar:

NM_002474.3(MYH11):c.3362C>G (p.Ser1121Ter)

Gene: MYH11 (myosin heavy chain 11; minus strand). Cytogenetic location: 16p13.11.
Variant type: single nucleotide variant.
Coding change: c.3362C>G on transcript NM_002474.3 (MANE Select); coding-DNA position 3362, C replaced by G.
Protein change: p.Ser1121Ter; replaces serine 1121 with a stop codon.
Molecular consequence: nonsense.
Genome position (GRCh38, 1-based): chr16:15,735,510, G>C on the plus strand (C>G on the coding strand, the complement: MYH11 is on the minus strand). VCF-style: chr16-15735510-G-C. GRCh37 (hg19) VCF-style: chr16-15829367-G-C.
Other names: c.3383C>G, p.Ser1128Ter (NM_001040113.2, NM_001040114.2); c.3362C>G, p.Ser1121Ter (NM_022844.3); short protein forms S1121*, S1128*.
Identifiers: ClinVar variation 4721093 (VCV004721093.1).
Genomic context (GRCh38, chr16:15,735,510, plus strand): 5'-TTCTGCTTTTCAGCCTTGTTCCTGGCGGCCCGCTCTGAGTCCAGGTCCTCCTGGAGGTCT[G>C]AGATGTGGCCCTCCAGCTCCCGGATCTTCTTCAGGGCATTGTTCTTCTGAGCGATTTCAT-3'

ClinVar aggregate classification (germline): Pathogenic (1 of 4 stars; one submission).

Conditions:
Aortic aneurysm, familial thoracic 4 (AAT4). Also called: AORTIC ANEURYSM/AORTIC DISSECTION AND PATENT DUCTUS ARTERIOSUS. Identifiers: MedGen C1851504, MONDO:0007568, OMIM 132900.

Submission:

Labcorp Genetics (formerly Invitae), Labcorp
Classification: Pathogenic for Aortic aneurysm, familial thoracic 4. Last evaluated: 2025-08-18. Review status: criteria provided, single submitter. Criteria: Invitae Variant Classification Sherloc (09022015). Collection method: clinical testing. Allele origin: germline.
Comment: This sequence change creates a premature translational stop signal (p.Ser1128*) in the MYH11 gene. It is expected to result in an absent or disrupted protein product. Loss-of-function variants in MYH11 are known to be pathogenic (PMID: 25407000, 29575632). This variant is not present in population databases (gnomAD no frequency). This variant has not been reported in the literature in individuals affected with MYH11-related conditions. For these reasons, this variant has been classified as Pathogenic.

Literature cited by the submitters: PubMed 25407000; PubMed 29575632.